The following is an entry in ClinVar:

ClinVar aggregate classification (germline): Uncertain significance (1 of 4 stars; one submission).

Allele frequency attached by ClinVar (database versions not stated): TOPMed below 0.00001; gnomAD 0.00001; gnomAD exomes 0.00001; ExAC 0.00002.
gnomAD v4.1: 8 of 1,613,996 alleles (0.0005%); highest among the groups gnomAD compares: South Asian, 0.0066%; 1 homozygote.

Submission:

Labcorp Genetics (formerly Invitae), Labcorp
Classification: Uncertain significance. Last evaluated: 2022-07-07. Review status: criteria provided, single submitter. Criteria: Invitae Variant Classification Sherloc (09022015). Collection method: clinical testing. Allele origin: germline.
Comment: This sequence change replaces asparagine, which is neutral and polar, with serine, which is neutral and polar, at codon 1107 of the LRPPRC protein (p.Asn1107Ser). This variant is present in population databases (rs749756838, gnomAD 0.003%). This variant has not been reported in the literature in individuals affected with LRPPRC-related conditions. Algorithms developed to predict the effect of missense changes on protein structure and function output the following: SIFT: "Tolerated"; PolyPhen-2: "Benign"; Align-GVGD: "Class C0". The serine amino acid residue is found in multiple mammalian species, which suggests that this missense change does not adversely affect protein function. In summary, the available evidence is currently insufficient to determine the role of this variant in disease. Therefore, it has been classified as a Variant of Uncertain Significance.

NM_133259.4(LRPPRC):c.3320A>G (p.Asn1107Ser)

Gene: LRPPRC (leucine rich pentatricopeptide repeat containing; minus strand). Cytogenetic location: 2p21.
Variant type: single nucleotide variant.
Coding change: c.3320A>G on transcript NM_133259.4 (MANE Select); coding-DNA position 3320, A replaced by G.
Protein change: p.Asn1107Ser; replaces asparagine 1107 with serine.
Molecular consequence: missense variant.
Genome position (GRCh38, 1-based): chr2:43,905,736, T>C on the plus strand (A>G on the coding strand, the complement: LRPPRC is on the minus strand). VCF-style: chr2-43905736-T-C. GRCh37 (hg19) VCF-style: chr2-44132875-T-C.
Other names: short protein forms N1107S.
Identifiers: ClinVar variation 2147346 (VCV002147346.1), dbSNP rs749756838, ClinGen allele CA1638097.
Genomic context (GRCh38, chr2:43,905,736, plus strand): 5'-AAGCATTGTGACATACCTTTCAAATAATCCCGCCTAACTTGCGTTATGATGAGGCGGCTG[T>C]TGGCAGCATCGTTCAGTGTGAAGCCCTTGATGTGGGTCTCCGCGCTAAAAGAAGCAGACA-3'
Protein context (NP_573566.2, residues 1097-1117): IKGFTLNDAA[Asn1107Ser]SRLIITQVRR